The following is an entry in ClinVar:

ClinVar aggregate classification (germline): Uncertain significance. Review status: criteria provided, multiple submitters, no conflicts (2 of 4 stars). 2 submissions from 2 submitters: Uncertain significance (2). Last evaluated 2025-02-04.

Conditions:
Hereditary nonpolyposis colorectal neoplasms. Identifiers: MedGen C0009405, MeSH D003123.
Hereditary cancer-predisposing syndrome. Also called: Hereditary Cancer Syndrome; Neoplastic Syndromes, Hereditary; Tumor predisposition; Hereditary neoplastic syndrome. Identifiers: Orphanet 140162, MedGen C0027672, MeSH D009386, MONDO:0015356.

Submissions (2):

Labcorp Genetics (formerly Invitae), Labcorp
Classification: Uncertain significance for Hereditary nonpolyposis colorectal neoplasms. Last evaluated: 2025-02-04. Review status: criteria provided, single submitter. Criteria: Invitae Variant Classification Sherloc (09022015). Collection method: clinical testing. Allele origin: germline.
Comment: This sequence change replaces lysine, which is basic and polar, with isoleucine, which is neutral and non-polar, at codon 16 of the PMS2 protein (p.Lys16Ile). This variant is not present in population databases (gnomAD no frequency). This variant has not been reported in the literature in individuals affected with PMS2-related conditions. ClinVar contains an entry for this variant (Variation ID: 1743173). Invitae Evidence Modeling incorporating data from in vitro experimental studies (internal data) indicates that this missense variant is not expected to disrupt PMS2 function with a negative predictive value of 95%. In summary, the available evidence is currently insufficient to determine the role of this variant in disease. Therefore, it has been classified as a Variant of Uncertain Significance.

Ambry Genetics
Classification: Uncertain significance for Hereditary cancer-predisposing syndrome. Last evaluated: 2022-05-29. Review status: criteria provided, single submitter. Criteria: Ambry Variant Classification Scheme 2023. Collection method: clinical testing. Allele origin: germline.
Comment: The p.K16I variant (also known as c.47A>T), located in coding exon 2 of the PMS2 gene, results from an A to T substitution at nucleotide position 47. The lysine at codon 16 is replaced by isoleucine, an amino acid with dissimilar properties. This amino acid position is conserved. In addition, the in silico prediction for this alteration is inconclusive. Since supporting evidence is limited at this time, the clinical significance of this alteration remains unclear.

NM_000535.7(PMS2):c.47A>T (p.Lys16Ile)

Gene: PMS2 (PMS1 homolog 2, mismatch repair system component; minus strand). Cytogenetic location: 7p22.1.
Variant type: single nucleotide variant.
Coding change: c.47A>T on transcript NM_000535.7 (MANE Select); coding-DNA position 47, A replaced by T.
Protein change: p.Lys16Ile; replaces lysine 16 with isoleucine.
Molecular consequence: missense variant. On other transcripts: 5 prime UTR variant (8), non-coding transcript variant (1), intron variant (3).
Genome position (GRCh38, 1-based): chr7:6,006,008, T>A on the plus strand (A>T on the coding strand, the complement: PMS2 is on the minus strand). VCF-style: chr7-6006008-T-A. GRCh37 (hg19) VCF-style: chr7-6045639-T-A.
Other names: c.-359A>T (NM_001018040.1, NM_001322003.2, NM_001322005.2 and 11 more transcripts); c.47A>T, p.Lys16Ile (NM_001322006.2, NM_001322014.2, NM_001406868.1 and 10 more transcripts); c.-169A>T (NM_001322007.2, NM_001406876.1, NM_001406883.1 and 4 more transcripts); c.-838A>T (NM_001322011.2, NM_001322012.2); c.-438A>T (NM_001322015.2, NM_001406875.1, NM_001406877.1 and 2 more transcripts); c.233A>T, p.Lys78Ile (NM_001406866.1); c.-385A>T (NM_001406880.1); c.-306A>T (NM_001406888.1, NM_001406889.1, NM_001406892.1 and 5 more transcripts); and 4 more; short protein forms K16I, K78I.
Identifiers: ClinVar variation 1743173 (VCV001743173.5), dbSNP rs1554306581, ClinGen allele CA366745159.
Genomic context (GRCh38, chr7:6,006,008, plus strand): 5'-CTTAGACTCAGTACCACCTGCCCAGAGCAAATCTGATGGACTGACTTCCGATCAATAGGT[T>A]TGATGGCCTTAGCAGGTTCTGTACTAGAGAAATCAGTTACAAGAAACAAATCAAGTATTC-3'
Protein context (NP_000526.2, residues 6-26): SSSTEPAKAI[Lys16Ile]PIDRKSVHQI